The following is an entry in ClinVar:

ClinVar aggregate classification (germline): Uncertain significance (1 of 4 stars; one submission).

Conditions:
Fetal akinesia deformation sequence 1 (FADS1). Also called: Pena-Shokeir syndrome type I; Fetal akinesia sequence. Identifiers: Orphanet 994, MedGen C1276035, MONDO:0100101, OMIM 208150, HP:0001989.
Congenital myasthenic syndrome 9. Also called: Myasthenic syndrome, congenital, 9, associated with acetylcholine receptor deficiency. Identifiers: Orphanet 590, MedGen C4225368, MONDO:0014587, OMIM 616325.

gnomAD v4.1: 1 of 1,582,724 alleles (0.000063%); highest among the groups gnomAD compares: Non-Finnish European, 0.000086%; no homozygotes.

Submission:

Labcorp Genetics (formerly Invitae), Labcorp
Classification: Uncertain significance for Congenital myasthenic syndrome 9; Fetal akinesia deformation sequence 1. Last evaluated: 2025-10-02. Review status: criteria provided, single submitter. Criteria: Invitae Variant Classification Sherloc (09022015). Collection method: clinical testing. Allele origin: germline.
Comment: This sequence change replaces leucine, which is neutral and non-polar, with arginine, which is basic and polar, at codon 834 of the MUSK protein (p.Leu834Arg). This variant is not present in population databases (gnomAD no frequency). This variant has not been reported in the literature in individuals affected with MUSK-related conditions. ClinVar contains an entry for this variant (Variation ID: 3750648). Invitae Evidence Modeling of protein sequence and biophysical properties (such as structural, functional, and spatial information, amino acid conservation, physicochemical variation, residue mobility, and thermodynamic stability) indicates that this missense variant is expected to disrupt MUSK protein function with a positive predictive value of 80%. In summary, the available evidence is currently insufficient to determine the role of this variant in disease. Therefore, it has been classified as a Variant of Uncertain Significance.

NM_005592.4(MUSK):c.2501T>G (p.Leu834Arg)

Gene: MUSK (muscle associated receptor tyrosine kinase; plus strand). Cytogenetic location: 9q31.3.
Variant type: single nucleotide variant.
Coding change: c.2501T>G on transcript NM_005592.4 (MANE Select); coding-DNA position 2501, T replaced by G.
Protein change: p.Leu834Arg; replaces leucine 834 with arginine.
Molecular consequence: missense variant.
Genome position (GRCh38, 1-based): chr9:110,800,879, T>G. VCF-style: chr9-110800879-T-G. GRCh37 (hg19) VCF-style: chr9-113563159-T-G.
Other names: c.2243T>G, p.Leu748Arg (NM_001166280.2); c.2213T>G, p.Leu738Arg (NM_001166281.2); c.1241T>G, p.Leu414Arg (NM_001369398.1); short protein forms L414R, L738R, L748R, L834R.
Identifiers: ClinVar variation 3750648 (VCV003750648.2).